The following is an entry in ClinVar:

NM_000045.4(ARG1):c.22A>G (p.Ile8Val)

Gene: ARG1 (arginase 1; plus strand). Cytogenetic location: 6q23.2.
Variant type: single nucleotide variant.
Coding change: c.22A>G on transcript NM_000045.4 (MANE Select); coding-DNA position 22, A replaced by G.
Protein change: p.Ile8Val; replaces isoleucine 8 with valine.
Molecular consequence: missense variant. On other transcripts: non-coding transcript variant (1).
Genome position (GRCh38, 1-based): chr6:131,573,304, A>G. VCF-style: chr6-131573304-A-G. GRCh37 (hg19) VCF-style: chr6-131894444-A-G.
Other names: c.22A>G (NM_000045.2); c.22A>G, p.Ile8Val (NM_001244438.2, NM_001369020.1); short protein forms I8V.
Identifiers: ClinVar variation 1060640 (VCV001060640.4), dbSNP rs776185609, ClinGen allele CA3999115.

ClinVar aggregate classification (germline): Uncertain significance. Review status: criteria provided, multiple submitters, no conflicts (2 of 4 stars). 2 submissions from 2 submitters: Uncertain significance (2). Last evaluated 2026-05-04.

Conditions:
Arginase deficiency. Also called: ARGININEMIA; ARG1 DEFICIENCY; Arginase 1 Deficiency. Identifiers: Orphanet 90, MedGen C0268548, MONDO:0008814, OMIM 207800.

Allele frequency attached by ClinVar (database versions not stated): ExAC 0.00005; gnomAD exomes 0.00012 and 0.00018; gnomAD 0.00013 and 0.00014; TOPMed 0.00018.
gnomAD v4.1: 277 of 1,614,012 alleles (0.017%); highest among the groups gnomAD compares: Admixed American, 0.053%; no homozygotes.

Submissions (2):

GeneDx
Classification: Uncertain significance. Last evaluated: 2026-05-04. Review status: criteria provided, single submitter. Criteria: GeneDx Variant Classification Process June 2021. Collection method: clinical testing. Allele origin: germline.
Comment: In silico analysis suggests that this missense variant does not alter protein structure/function; Has not been previously published as pathogenic or benign to our knowledge

Labcorp Genetics (formerly Invitae), Labcorp
Classification: Uncertain significance for Arginase deficiency. Last evaluated: 2022-08-19. Review status: criteria provided, single submitter. Criteria: Invitae Variant Classification Sherloc (09022015). Collection method: clinical testing. Allele origin: germline.
Comment: This sequence change replaces isoleucine, which is neutral and non-polar, with valine, which is neutral and non-polar, at codon 8 of the ARG1 protein (p.Ile8Val). This variant is present in population databases (rs776185609, gnomAD 0.05%). This variant has not been reported in the literature in individuals affected with ARG1-related conditions. ClinVar contains an entry for this variant (Variation ID: 1060640). Algorithms developed to predict the effect of missense changes on protein structure and function output the following: SIFT: "Tolerated"; PolyPhen-2: "Benign"; Align-GVGD: "Class C0". The valine amino acid residue is found in multiple mammalian species, which suggests that this missense change does not adversely affect protein function. Algorithms developed to predict the effect of sequence changes on RNA splicing suggest that this variant may create or strengthen a splice site. In summary, the available evidence is currently insufficient to determine the role of this variant in disease. Therefore, it has been classified as a Variant of Uncertain Significance.